The following is an entry in ClinVar:

ClinVar aggregate classification (germline): Conflicting classifications of pathogenicity. Review status: criteria provided, conflicting classifications (1 of 4 stars). 2 submissions from 2 submitters: Uncertain significance (1); Likely benign (1). Last evaluated 2023-03-23.

Conditions:
Hereditary cancer-predisposing syndrome. Also called: Neoplastic Syndromes, Hereditary; Tumor predisposition; Hereditary Cancer Syndrome; Hereditary neoplastic syndrome. Identifiers: Orphanet 140162, MedGen C0027672, MeSH D009386, MONDO:0015356.

Submissions (2):

University of Washington Department of Laboratory Medicine, University of Washington
Classification: Likely benign for Hereditary cancer-predisposing syndrome. Last evaluated: 2023-03-23. Review status: criteria provided, single submitter. Criteria: Dines et al. (Genet Med. 2020). Collection method: curation. Allele origin: germline.
Comment: Missense variant in a coldspot region where missense variants are very unlikely to be pathogenic (PMID:31911673).

BRCA2 exon 11 coldspot. Reclassification based on statistical prior probability.

Ambry Genetics
Classification: Uncertain significance for Hereditary cancer-predisposing syndrome. Last evaluated: 2015-09-01. Review status: criteria provided, single submitter. Criteria: Ambry Variant Classification Scheme 2023. Collection method: clinical testing. Allele origin: germline.
Comment: The p.S1676N variant (also known as c.5027G>A and 5255G>A), located in coding exon 10 of the BRCA2 gene, results from a G to A substitution at nucleotide position 5027. The serine at codon 1676 is replaced by asparagine, an amino acid with highly similar properties. This variant was not reported in population based cohorts in the following databases: Database of Single Nucleotide Polymorphisms (dbSNP), NHLBI Exome Sequencing Project (ESP), and 1000 Genomes Project. In the ESP, this variant was not observed in 6485 samples (12970 alleles) with coverage at this position. To date, this alteration has been detected with an allele frequency of approximately 0.001% (greater than 150000 alleles tested) in our clinical cohort. This amino acid position is not well conserved in available vertebrate species. In addition, this alteration is predicted to be tolerated by in silico analysis. Since supporting evidence is limited at this time, the clinical significance of p.S1676N remains unclear.

NM_000059.4(BRCA2):c.5027G>A (p.Ser1676Asn)

Gene: BRCA2 (BRCA2 DNA repair associated; plus strand). Cytogenetic location: 13q13.1.
Variant type: single nucleotide variant.
Coding change: c.5027G>A on transcript NM_000059.4 (MANE Select); coding-DNA position 5027, G replaced by A.
Protein change: p.Ser1676Asn; replaces serine 1676 with asparagine.
Molecular consequence: missense variant.
Genome position (GRCh38, 1-based): chr13:32,339,382, G>A. VCF-style: chr13-32339382-G-A. GRCh37 (hg19) VCF-style: chr13-32913519-G-A.
Other names: short protein forms S1676N.
Identifiers: ClinVar variation 233857 (VCV000233857.7), dbSNP rs876660686, ClinGen allele CA10579643.
Genomic context (GRCh38, chr13:32,339,382, plus strand): 5'-CAAATCAGTCCCCTTATTCAGTCATTGAAAATTCAGCCTTAGCTTTTTACACAAGTTGTA[G>A]TAGAAAAACTTCTGTGAGTCAGACTTCATTACTTGAAGCAAAAAAATGGCTTAGAGAAGG-3'
Protein context (NP_000050.3, residues 1666-1686): NSALAFYTSC[Ser1676Asn]RKTSVSQTSL